The following is an entry in ClinVar:

NM_001079802.2(FKTN):c.*3778T>C

Gene: FKTN (fukutin; plus strand). Cytogenetic location: 9q31.2.
Variant type: single nucleotide variant.
Coding change: c.*3778T>C on transcript NM_001079802.2 (MANE Select); 3778 bases downstream of the stop codon, T replaced by C.
Molecular consequence: 3 prime UTR variant. On other transcripts: non-coding transcript variant (2), intron variant (1).
Genome position (GRCh38, 1-based): chr9:105,639,042, T>C. VCF-style: chr9-105639042-T-C. GRCh37 (hg19) VCF-style: chr9-108401323-T-C.
Other names: c.*3778T>C (NM_001351496.2, NM_001351497.2, NM_001351499.2 and 4 more transcripts); c.*3956T>C (NM_001351498.2); c.1271-1059T>C (NM_001198963.2).
Identifiers: ClinVar variation 914630 (VCV000914630.7), dbSNP rs79831528, ClinGen allele CA15596890.
Genomic context (GRCh38, chr9:105,639,042, plus strand): 5'-TCTAAAATCTCACCCAAACTTATGGCTACATATTTTTCTAAGTTTCCCCCCTAGTTTCAC[T>C]TTCTGGAAAGTGAACAGTTTTTTAAATCCTAAATGTTATAAATCCTTAGGAGAAATATTC-3'

ClinVar aggregate classification (germline): Conflicting classifications of pathogenicity. Review status: criteria provided, conflicting classifications (1 of 4 stars). 3 submissions from 2 submitters: Uncertain significance (1); Benign (2). Last evaluated 2021-05-12.

Conditions:
Muscular dystrophy-dystroglycanopathy (congenital with brain and eye anomalies), type A, 4 (MDDGA4). Also called: Walker-Warburg Syndrome, Fktn-Related; Congenital muscular dystrophy-dystroglycanopathy with brain and eye anomalies, type A4; WALKER-WARBURG SYNDROME OR MUSCLE-EYE-BRAIN DISEASE, FKTN-RELATED; Muscular dystrophy, congenital progressive, with mental retardation; Muscular dystrophy, congenital, with central nervous system involvement; Cerebromuscular dystrophy, Fukuyama type. Identifiers: Orphanet 272, Orphanet 588, Orphanet 899, MedGen C0410174, MONDO:0009678, OMIM 253800.
Dilated cardiomyopathy 1X (CMD1X). Also called: CARDIOMYOPATHY, DILATED, WITH MILD OR NO PROXIMAL MUSCLE WEAKNESS; FKTN-Related Dilated Cardiomyopathy. Identifiers: Orphanet 154, MedGen C1969024, MONDO:0012704, OMIM 611615.

Allele frequency attached by ClinVar (database versions not stated): gnomAD exomes 0.00197; gnomAD 0.02705 and 0.02904; 1000 Genomes Project 0.02975; TOPMed 0.02997; 1000 Genomes Project 30x 0.03045.
gnomAD v4.1: 5,808 of 985,382 alleles (0.59%); highest among the groups gnomAD compares: African/African-American, 9.4%; 265 homozygotes.

Submissions (3):

GeneDx
Classification: Benign. Last evaluated: 2021-05-12. Review status: criteria provided, single submitter. Criteria: GeneDx Variant Classification Process June 2021. Collection method: clinical testing. Allele origin: germline. Affected: yes.

Illumina Laboratory Services, Illumina
Classification: Uncertain significance for Dilated cardiomyopathy 1X. Last evaluated: 2017-04-28. Review status: criteria provided, single submitter. Criteria: ICSL Variant Classification Criteria 13 December 2019. Collection method: clinical testing. Allele origin: germline.

Illumina Laboratory Services, Illumina
Classification: Benign for Muscular dystrophy-dystroglycanopathy (congenital with brain and eye anomalies), type A, 4. Last evaluated: 2017-04-28. Review status: criteria provided, single submitter. Criteria: ICSL Variant Classification Criteria 13 December 2019. Collection method: clinical testing. Allele origin: germline.
Comment: This variant was observed as part of a predisposition screen in an ostensibly healthy population. A literature search was performed for the gene, cDNA change, and amino acid change (where applicable). No publications were found based on this search. Allele frequency data from public databases was too high to be consistent with this variant causing disease. Therefore, this variant is classified as benign.